The following is an entry in ClinVar:

ClinVar aggregate classification (germline): Likely benign (1 of 4 stars; one submission).

Allele frequency attached by ClinVar (database versions not stated): gnomAD exomes 0.00002; TOPMed 0.00002; gnomAD 0.00004; ExAC 0.00005; 1000 Genomes Project 30x 0.00021.

Submission:

CeGaT Center for Human Genetics Tuebingen
Classification: Likely benign. Last evaluated: 2022-10-01. Review status: criteria provided, single submitter. Criteria: CeGaT Center For Human Genetics Tuebingen Variant Classification Criteria Version 2. Collection method: clinical testing. Allele origin: germline. Affected: yes. Observed: 1 variant allele.
Comment: SUPT20HL1: BP4, BP7

NM_001136234.3(SUPT20HL1):c.795G>A (p.Ser265=)

Gene: SUPT20HL1 (SUPT20H like 1; plus strand). Cytogenetic location: Xp22.11.
Variant type: single nucleotide variant.
Coding change: c.795G>A on transcript NM_001136234.3 (MANE Select); coding-DNA position 795, G replaced by A.
Protein change: p.Ser265=; no amino-acid change (serine 265 retained).
Molecular consequence: synonymous variant.
Genome position (GRCh38, 1-based): chrX:24,363,555, G>A. VCF-style: chrX-24363555-G-A. GRCh37 (hg19) VCF-style: chrX-24381672-G-A.
Identifiers: ClinVar variation 2660188 (VCV002660188.24), dbSNP rs754634180, ClinGen allele CA10371909.